The following is an entry in ClinVar:

NM_173596.3(SLC39A5):c.1281C>T (p.His427=)

Gene: SLC39A5 (solute carrier family 39 member 5; plus strand). Cytogenetic location: 12q13.3.
Variant type: single nucleotide variant.
Coding change: c.1281C>T on transcript NM_173596.3 (MANE Select); coding-DNA position 1281, C replaced by T.
Protein change: p.His427=; no amino-acid change (histidine 427 retained).
Molecular consequence: synonymous variant.
Genome position (GRCh38, 1-based): chr12:56,237,004, C>T. VCF-style: chr12-56237004-C-T. GRCh37 (hg19) VCF-style: chr12-56630788-C-T.
Other names: c.1281C>T, p.His427= (NM_001135195.2).
Identifiers: ClinVar variation 3049788 (VCV003049788.2), dbSNP rs143449387, ClinGen allele CA6627374.

ClinVar aggregate classification (germline): Likely benign (0 of 4 stars; one submission).

Conditions:
SLC39A5-related disorder. Also called: SLC39A5-related condition.

Allele frequency attached by ClinVar (database versions not stated): ExAC 0.00025; TOPMed 0.00054; ESP Exome Variant Server 0.00069; 1000 Genomes Project 0.00020; 1000 Genomes Project 30x 0.00031; gnomAD 0.00051.
gnomAD v4.1: 394 of 1,614,066 alleles (0.024%); highest among the groups gnomAD compares: African/African-American, 0.14%; 1 homozygote.

Submission:

PreventionGenetics, part of Exact Sciences
Classification: Likely benign for SLC39A5-related condition. Last evaluated: 2019-07-12. Review status: no assertion criteria provided. Collection method: clinical testing. Allele origin: germline.
Comment: This variant is classified as likely benign based on ACMG/AMP sequence variant interpretation guidelines (Richards et al. 2015 PMID: 25741868, with internal and published modifications).